The following is an entry in ClinVar:

ClinVar aggregate classification (germline): Likely benign (1 of 4 stars; one submission).

gnomAD v4.1: 36 of 1,611,320 alleles (0.0022%); highest among the groups gnomAD compares: Non-Finnish European, 0.003%; no homozygotes.

Submission:

CeGaT Center for Human Genetics Tuebingen
Classification: Likely benign. Last evaluated: 2026-04-01. Review status: criteria provided, single submitter. Criteria: CeGaT Center For Human Genetics Tuebingen Variant Classification Criteria Version 2. Collection method: clinical testing. Allele origin: germline. Affected: yes. Observed: 1 variant allele.
Comment: CLIP2: BP4, BP7

NM_003388.5(CLIP2):c.2184C>A (p.Ala728=)

Gene: CLIP2 (CAP-Gly domain containing linker protein 2; plus strand). Cytogenetic location: 7q11.23.
Variant type: single nucleotide variant.
Coding change: c.2184C>A on transcript NM_003388.5 (MANE Select); coding-DNA position 2184, C replaced by A.
Protein change: p.Ala728=; no amino-acid change (alanine 728 retained).
Molecular consequence: synonymous variant.
Genome position (GRCh38, 1-based): chr7:74,376,585, C>A. VCF-style: chr7-74376585-C-A. GRCh37 (hg19) VCF-style: chr7-73790915-C-A.
Other names: c.2079C>A, p.Ala693= (NM_032421.3).
Identifiers: ClinVar variation 4874226 (VCV004874226.2).
Genomic context (GRCh38, chr7:74,376,585, plus strand): 5'-GGTGCAAGCCAGCCAGCACCGGCTGGAGCTGCAGGAGGCCCAGGACCAGCGCCGGGATGC[C>A]GAGCTGCGTGTGCACGAGCTGGAAAAACTGGACGTGGAGTACCGGGGCCAGGCGCAGGCT-3'
Protein context (NP_003379.4, residues 718-738): LQEAQDQRRD[Ala728=]ELRVHELEKL